The following is an entry in ClinVar:

NM_005027.4(PIK3R2):c.1064G>A (p.Arg355Gln)

Gene: PIK3R2 (phosphoinositide-3-kinase regulatory subunit 2; plus strand). Cytogenetic location: 19p13.11.
Variant type: single nucleotide variant.
Coding change: c.1064G>A on transcript NM_005027.4 (MANE Select); coding-DNA position 1064, G replaced by A.
Protein change: p.Arg355Gln; replaces arginine 355 with glutamine.
Molecular consequence: missense variant. On other transcripts: non-coding transcript variant (2).
Genome position (GRCh38, 1-based): chr19:18,162,461, G>A. VCF-style: chr19-18162461-G-A. GRCh37 (hg19) VCF-style: chr19-18273271-G-A.
Other names: short protein forms R355Q.
Identifiers: ClinVar variation 4077342 (VCV004077342.1).

ClinVar aggregate classification (germline): Uncertain significance (1 of 4 stars; one submission).

Submission:

GeneDx
Classification: Uncertain significance. Last evaluated: 2025-02-27. Review status: criteria provided, single submitter. Criteria: GeneDx Variant Classification Process June 2021. Collection method: clinical testing. Allele origin: germline. Affected: yes.
Comment: Has not been previously published as pathogenic or benign to our knowledge; In silico analysis supports that this missense variant has a deleterious effect on protein structure/function